The following is an entry in ClinVar:

NM_005159.5(ACTC1):c.-1G>A

Genes: ACTC1 (actin alpha cardiac muscle 1; minus strand), GJD2-DT (GJD2 divergent transcript; plus strand). Cytogenetic location: 15q14.
Variant type: single nucleotide variant.
Coding change: c.-1G>A on transcript NM_005159.5 (MANE Select); 1 bases upstream of the start codon, G replaced by A.
Molecular consequence: 5 prime UTR variant.
Genome position (GRCh38, 1-based): chr15:34,794,809, C>T on the plus strand (G>A on the coding strand, the complement: ACTC1 is on the minus strand). VCF-style: chr15-34794809-C-T. GRCh37 (hg19) VCF-style: chr15-35087010-C-T.
Other names: c.-1G>A (NM_001406482.1, NM_001406483.1).
Identifiers: ClinVar variation 928457 (VCV000928457.7), dbSNP rs748380799, ClinGen allele CA041220.

ClinVar aggregate classification (germline): Uncertain significance. Review status: criteria provided, multiple submitters, no conflicts (2 of 4 stars). 3 submissions from 3 submitters: Uncertain significance (3). Last evaluated 2023-01-10.

Conditions:
Cardiomyopathy (CMYO). Also called: Cardiomyopathies. Identifiers: Orphanet 167848, MedGen C0878544, MONDO:0004994, HP:0001638. Inheritance: Various modes of inheritance.
Hypertrophic cardiomyopathy. Also called: HYPERTROPHIC MYOCARDIOPATHY. Identifiers: Orphanet 217569, MedGen C0007194, MeSH D002312, MONDO:0005045, HP:0001639.

Allele frequency attached by ClinVar (database versions not stated): gnomAD exomes below 0.00001; ExAC 0.00001.
gnomAD v4.1: 4 of 1,613,008 alleles (0.00025%); highest among the groups gnomAD compares: East Asian, 0.0045%; no homozygotes.

Submissions (3):

All of Us Research Program, National Institutes of Health
Classification: Uncertain significance for Hypertrophic cardiomyopathy. Last evaluated: 2023-01-10. Review status: criteria provided, single submitter. Criteria: ACMG Guidelines, 2015. Collection method: clinical testing. Allele origin: germline. Inheritance: Autosomal dominant inheritance. Observed: 1 variant allele, 1 heterozygote.
Comment: This variant changes a single nucleotide in the 5' untranslated region of the ACTC1 gene. Splice site prediction tools suggest that this variant may not impact RNA splicing. To our knowledge, functional studies have not been reported for this variant. This variant has not been reported in individuals affected with ACTC1-related disorders in the literature. This variant has been identified in 1/250254 chromosomes in the general population by the Genome Aggregation Database (gnomAD). The available evidence is insufficient to determine the role of this variant in disease conclusively. Therefore, this variant is classified as a Variant of Uncertain Significance.

This study involves interpretation of variants in research participants for the purpose of population health screening. Participant phenotype was not available at the time of variant classification. Additional details can be found in publication PMID: 35346344, PMCID: PMC8962531

Color Diagnostics, LLC DBA Color Health
Classification: Uncertain significance for Cardiomyopathy. Last evaluated: 2022-12-01. Review status: criteria provided, single submitter. Criteria: ACMG Guidelines, 2015. Collection method: clinical testing. Allele origin: germline.
Comment: This variant changes a single nucleotide in the 5' untranslated region of the ACTC1 gene. Splice site prediction tools suggest that this variant may not impact RNA splicing. To our knowledge, functional studies have not been reported for this variant. This variant has not been reported in individuals affected with ACTC1-related disorders in the literature. This variant has been identified in 1/250254 chromosomes in the general population by the Genome Aggregation Database (gnomAD). The available evidence is insufficient to determine the role of this variant in disease conclusively. Therefore, this variant is classified as a Variant of Uncertain Significance.

Blueprint Genetics
Classification: Uncertain significance. Last evaluated: 2019-01-29. Review status: criteria provided, single submitter. Criteria: ACMG Guidelines, 2015. Collection method: clinical testing. Allele origin: germline.